The following is an entry in ClinVar:

ClinVar aggregate classification (germline): Uncertain significance (1 of 4 stars; one submission).

Conditions:
Microcephaly, normal intelligence and immunodeficiency (NBS). Also called: IMMUNODEFICIENCY, MICROCEPHALY, AND CHROMOSOMAL INSTABILITY; SEEMANOVA SYNDROME II; Nijmegen breakage syndrome; Microcephaly with normal intelligence immunodeficiency and lymphoreticular malignancies; Nonsyndromal microcephaly autosomal recessive with normal intelligence; Seemanova syndrome 2. Identifiers: Orphanet 647, MedGen C0398791, MONDO:0009623, OMIM 251260.

Submission:

Labcorp Genetics (formerly Invitae), Labcorp
Classification: Uncertain significance for Microcephaly, normal intelligence and immunodeficiency. Last evaluated: 2018-05-19. Review status: criteria provided, single submitter. Criteria: Invitae Variant Classification Sherloc (09022015). Collection method: clinical testing. Allele origin: germline.
Comment: In summary, the available evidence is currently insufficient to determine the role of this variant in disease. Therefore, it has been classified as a Variant of Uncertain Significance. Algorithms developed to predict the effect of missense changes on protein structure and function are either unavailable or do not agree on the potential impact of this missense change (SIFT: "Deleterious"; PolyPhen-2: "Probably Damaging"; Align-GVGD: "Class C0"). This variant has not been reported in the literature in individuals with NBN-related disease. ClinVar contains an entry for this variant (Variation ID: 461571). This variant is not present in population databases (ExAC no frequency). This sequence change replaces proline with alanine at codon 170 of the NBN protein (p.Pro170Ala). The proline residue is highly conserved and there is a small physicochemical difference between proline and alanine.

NM_002485.5(NBN):c.508C>G (p.Pro170Ala)

Gene: NBN (nibrin; minus strand). Cytogenetic location: 8q21.3.
Variant type: single nucleotide variant.
Coding change: c.508C>G on transcript NM_002485.5 (MANE Select); coding-DNA position 508, C replaced by G.
Protein change: p.Pro170Ala; replaces proline 170 with alanine.
Molecular consequence: missense variant.
Genome position (GRCh38, 1-based): chr8:89,978,296, G>C on the plus strand (C>G on the coding strand, the complement: NBN is on the minus strand). VCF-style: chr8-89978296-G-C. GRCh37 (hg19) VCF-style: chr8-90990524-G-C.
Other names: c.262C>G, p.Pro88Ala (NM_001024688.3); short protein forms P170A, P88A.
Identifiers: ClinVar variation 461571 (VCV000461571.8), dbSNP rs1554566720, ClinGen allele CA371660403.
Genomic context (GRCh38, chr8:89,978,296, plus strand): 5'-GCTGCTTCTTGGACTCAACTGCTTTCAGGAATTCAGTAAAATATTCTGGCTTTACAATTG[G>C]ACGTCCACAAATGAGTGCACATATTGTCTACAATGAAGAAAACATGTGAATATATATATT-3'
Protein context (NP_002476.2, residues 160-180): KTICALICGR[Pro170Ala]IVKPEYFTEF